The following is an entry in ClinVar:

NM_003179.3(SYP):c.536A>G (p.Glu179Gly)

Gene: SYP (synaptophysin; minus strand). Cytogenetic location: Xp11.23.
Variant type: single nucleotide variant.
Coding change: c.536A>G on transcript NM_003179.3 (MANE Select); coding-DNA position 536, A replaced by G.
Protein change: p.Glu179Gly; replaces glutamic acid 179 with glycine.
Molecular consequence: missense variant.
Genome position (GRCh38, 1-based): chrX:49,193,351, T>C on the plus strand (A>G on the coding strand, the complement: SYP is on the minus strand). VCF-style: chrX-49193351-T-C. GRCh37 (hg19) VCF-style: chrX-49049808-T-C.
Other names: short protein forms E179G.
Identifiers: ClinVar variation 4536982 (VCV004536982.1).

ClinVar aggregate classification (germline): Uncertain significance (1 of 4 stars; one submission).

gnomAD v4.1: 2 of 1,212,140 alleles (0.00016%); highest among the groups gnomAD compares: Non-Finnish European, 0.00022%; no homozygotes.

Submission:

Women's Health and Genetics/Laboratory Corporation of America, LabCorp
Classification: Uncertain significance. Last evaluated: 2025-11-07. Review status: criteria provided, single submitter. Criteria: LabCorp Variant Classification Summary - May 2015. Collection method: clinical testing. Allele origin: germline.
Comment: Variant summary: SYP c.536A>G (p.Glu179Gly) results in a non-conservative amino acid change in the encoded protein sequence. Algorithms developed to predict the effect of missense changes on protein structure and function are either unavailable or do not agree on the potential impact of this missense change. The variant was absent in 182257 control chromosomes. The available data on variant occurrences in the general population are insufficient to allow any conclusion about variant significance. To our knowledge, no occurrence of c.536A>G in individuals affected with SYP-related conditions and no experimental evidence demonstrating its impact on protein function have been reported. No submitters have cited clinical-significance assessments for this variant to ClinVar. Based on the evidence outlined above, the variant was classified as uncertain significance.